The following is an entry in ClinVar:

ClinVar aggregate classification (germline): Uncertain significance. Review status: criteria provided, multiple submitters, no conflicts (2 of 4 stars). 3 submissions from 3 submitters: Uncertain significance (3). Last evaluated 2024-11-27.

Conditions:
Hereditary cancer-predisposing syndrome. Also called: Neoplastic Syndromes, Hereditary; Tumor predisposition; Hereditary Cancer Syndrome; Hereditary neoplastic syndrome. Identifiers: Orphanet 140162, MedGen C0027672, MeSH D009386, MONDO:0015356.
Familial adenomatous polyposis 1 (FAP1). Also called: FAMILIAL ADENOMATOUS POLYPOSIS 1, ATTENUATED; POLYPOSIS, ADENOMATOUS INTESTINAL. Identifiers: MedGen C2713442, MONDO:0021056, OMIM 175100. Disease mechanism: loss of function.

Allele frequency attached by ClinVar (database versions not stated): TOPMed below 0.00001; gnomAD 0.00001.

Submissions (3):

Labcorp Genetics (formerly Invitae), Labcorp
Classification: Uncertain significance for Familial adenomatous polyposis 1. Last evaluated: 2024-11-27. Review status: criteria provided, single submitter. Criteria: Invitae Variant Classification Sherloc (09022015). Collection method: clinical testing. Allele origin: germline.
Comment: This sequence change replaces glycine, which is neutral and non-polar, with glutamic acid, which is acidic and polar, at codon 567 of the APC protein (p.Gly567Glu). This variant is not present in population databases (gnomAD no frequency). This variant has not been reported in the literature in individuals affected with APC-related conditions. ClinVar contains an entry for this variant (Variation ID: 922686). Invitae Evidence Modeling of protein sequence and biophysical properties (such as structural, functional, and spatial information, amino acid conservation, physicochemical variation, residue mobility, and thermodynamic stability) indicates that this missense variant is not expected to disrupt APC protein function with a negative predictive value of 95%. In summary, the available evidence is currently insufficient to determine the role of this variant in disease. Therefore, it has been classified as a Variant of Uncertain Significance.

Ambry Genetics
Classification: Uncertain significance for Hereditary cancer-predisposing syndrome. Last evaluated: 2023-09-29. Review status: criteria provided, single submitter. Criteria: Ambry Variant Classification Scheme 2023. Collection method: clinical testing. Allele origin: germline.
Comment: The p.G567E variant (also known as c.1700G>A), located in coding exon 13 of the APC gene, results from a G to A substitution at nucleotide position 1700. The glycine at codon 567 is replaced by glutamic acid, an amino acid with similar properties. This amino acid position is highly conserved in available vertebrate species. In addition, in silico predictors for this gene do not accurately predict pathogenicity. Since supporting evidence is limited at this time, the clinical significance of this alteration remains unclear.

Color Diagnostics, LLC DBA Color Health
Classification: Uncertain significance for Hereditary cancer-predisposing syndrome. Last evaluated: 2019-07-18. Review status: criteria provided, single submitter. Criteria: ACMG Guidelines, 2015. Collection method: clinical testing. Allele origin: germline.
Comment: This missense variant replaces glycine with glutamic acid at codon 567 of the APC protein. Computational prediction tools and conservation analyses are inconclusive regarding the impact of this variant on the protein function. Computational splicing tools suggest that this variant may not impact RNA splicing. To our knowledge, functional assays have not been performed for this variant nor has this variant been reported in individuals affected with hereditary cancer in the literature. This variant has not been identified in the general population by the Genome Aggregation Database (gnomAD). Available evidence is insufficient to determine the role of this variant in disease conclusively. Therefore, this variant is classified as a Variant of Uncertain Significance.

NM_000038.6(APC):c.1700G>A (p.Gly567Glu)

Gene: APC (APC regulator of Wnt signaling pathway; plus strand). Cytogenetic location: 5q22.2.
Variant type: single nucleotide variant.
Coding change: c.1700G>A on transcript NM_000038.6 (MANE Select); coding-DNA position 1700, G replaced by A.
Protein change: p.Gly567Glu; replaces glycine 567 with glutamic acid.
Molecular consequence: missense variant.
Genome position (GRCh38, 1-based): chr5:112,828,929, G>A. VCF-style: chr5-112828929-G-A. GRCh37 (hg19) VCF-style: chr5-112164626-G-A.
Other names: c.1700G>A, p.Gly567Glu (NM_001127510.3, NM_001354895.2); c.1646G>A, p.Gly549Glu (NM_001127511.3); c.1754G>A, p.Gly585Glu (NM_001354896.2); c.1730G>A, p.Gly577Glu (NM_001354897.2); c.1625G>A, p.Gly542Glu (NM_001354898.2); c.1616G>A, p.Gly539Glu (NM_001354899.2); c.1577G>A, p.Gly526Glu (NM_001354900.2); c.1523G>A, p.Gly508Glu (NM_001354901.2); and 5 more; short protein forms G284E, G407E, G441E, G539E, G549E, G577E, G585E, G466E.
Identifiers: ClinVar variation 922686 (VCV000922686.10), dbSNP rs1366698322, ClinGen allele CA16025022.